The following is an entry in ClinVar:

ClinVar aggregate classification (germline): Uncertain significance (1 of 4 stars; one submission).

Allele frequency attached by ClinVar (database versions not stated): gnomAD exomes below 0.00001; TOPMed 0.00001.
gnomAD v4.1: 4 of 1,593,152 alleles (0.00025%); highest among the groups gnomAD compares: South Asian, 0.0011%; no homozygotes.

Submission:

Biesecker Lab/Clinical Genomics Section, National Institutes of Health
Classification: Uncertain significance. Last evaluated: 2013-06-24. Review status: criteria provided, single submitter. Criteria: Ng et al. (Circ Cardiovasc Genet. 2013). Collection method: research. Allele origin: unknown. Observed: 1 variant allele. Study: ClinSeq.
Comment: The study set was not selected for affection status in relation to any cancer. Pathogenicity categories were based on literature curation. See Pubmed ID:23861362 for details.

Medical sequencing

NM_001267550.2(TTN):c.23084C>T (p.Ala7695Val)

Gene: TTN (titin; minus strand). Cytogenetic location: 2q31.2.
Variant type: single nucleotide variant.
Coding change: c.23084C>T on transcript NM_001267550.2 (MANE Select); coding-DNA position 23084, C replaced by T.
Protein change: p.Ala7695Val; replaces alanine 7695 with valine.
Molecular consequence: missense variant. On other transcripts: intron variant (3).
Genome position (GRCh38, 1-based): chr2:178,720,935, G>A on the plus strand (C>T on the coding strand, the complement: TTN is on the minus strand). VCF-style: chr2-178720935-G-A. GRCh37 (hg19) VCF-style: chr2-179585662-G-A.
Other names: c.22133C>T, p.Ala7378Val (NM_001256850.1); c.19352C>T, p.Ala6451Val (NM_133378.4); c.13282+17147C>T (NM_003319.4); c.13858+17147C>T (NM_133437.4); c.13657+17147C>T (NM_133432.3); short protein forms A6451V, A7695V, A7378V.
Identifiers: ClinVar variation 192013 (VCV000192013.1), dbSNP rs201003628, ClinGen allele CA238102.
Genomic context (GRCh38, chr2:178,720,935, plus strand): 5'-CAAATCAGAGGAGAATAAAGAAACAAAGAAGCTTAGTGTGTCTAACCTTTCACTGTCAAC[G>A]CTGTGCTGCAGCTGGCGTCACCAACACCATTATGAGCCTCACAAATGTAGTCCCCGCTGT-3'
Protein context (NP_001254479.2, residues 7685-7705): NGVGDASCST[Ala7695Val]LTVKAPPVFT